The following is an entry in ClinVar:

NM_000206.3(IL2RG):c.175G>T (p.Glu59Ter)

Gene: IL2RG (interleukin 2 receptor subunit gamma; minus strand). Cytogenetic location: Xq13.1.
Variant type: single nucleotide variant.
Coding change: c.175G>T on transcript NM_000206.3 (MANE Select); coding-DNA position 175, G replaced by T.
Protein change: p.Glu59Ter; replaces glutamic acid 59 with a stop codon.
Molecular consequence: nonsense.
Genome position (GRCh38, 1-based): chrX:71,110,991, C>A on the plus strand (G>T on the coding strand, the complement: IL2RG is on the minus strand). VCF-style: chrX-71110991-C-A. GRCh37 (hg19) VCF-style: chrX-70330841-C-A.
Other names: NM_000206.3(IL2RG):c.175G>T; p.Glu59Ter; short protein forms E59*.
Identifiers: ClinVar variation 1677132 (VCV001677132.2), dbSNP rs2092262517, ClinGen allele CA413497183.

ClinVar aggregate classification (germline): Likely pathogenic. Review status: reviewed by expert panel (3 of 4 stars). 2 submissions from 2 submitters: Likely pathogenic (1). 1 of the submissions does not count toward it. Last evaluated 2024-06-12.

Conditions:
X-linked severe combined immunodeficiency (SCIDX1). Also called: IMMUNODEFICIENCY 4; SCID, X-LINKED; SEVERE COMBINED IMMUNODEFICIENCY, X-LINKED, T CELL-NEGATIVE, B CELL-POSITIVE, NK CELL-NEGATIVE; T-B+ severe combined immunodeficiency due to gamma chain deficiency; X-Linked Combined Immunodeficiency Diseases. Identifiers: Orphanet 276, MedGen C6022468, MONDO:0010315, OMIM 300400. Disease mechanism: loss of function.

Submissions (2):

ClinGen Severe Combined Immunodeficiency Variant Curation Expert Panel, ClinGen
Classification: Likely pathogenic for X-linked severe combined immunodeficiency. Last evaluated: 2024-06-12. Review status: reviewed by expert panel. Criteria: ClinGen SCID ACMG Specifications IL2RG V1.0.0. Collection method: curation. Allele origin: germline. Inheritance: X-linked inheritance.
Comment: The c.175G>T (p.Glu59Ter) (NM_000206.3) variant in IL2RG is a nonsense variant predicted to cause a premature stop codon in biologically-relevant-exon 2/8 leading to nonsense-mediated decay in a gene in which loss-of-function is an established disease mechanism (PVS1 Met).The variant is absent in gnomAD v4 (PM2_supporting). There are no publications for this variant in the literature. In summary, this variant meets the criteria to be classified as a Likely Pathogenic variant for X-linked severe combined immunodeficiency due to IL2RG deficiency based on the ACMG/AMP criteria applied, as specified by the ClinGen SCID VCEP: PVS1_Met, PM2_supporting (VCEP specifications version 1).

Women's Health and Genetics/Laboratory Corporation of America, LabCorp
Classification: Pathogenic for X-linked severe combined immunodeficiency. Last evaluated: 2025-02-24. Review status: criteria provided, single submitter. Criteria: LabCorp Variant Classification Summary - May 2015. Collection method: clinical testing. Allele origin: germline. Not counted in ClinVar's aggregate classification.
Comment: Variant summary: IL2RG c.175G>T (p.Glu59X) results in a premature termination codon, predicted to cause a truncation of the encoded protein or absence of the protein due to nonsense mediated decay, which are commonly known mechanisms for disease. The frequency data for this variant in gnomAD is considered unreliable, as metrics indicate poor data quality at this position. To our knowledge, no occurrence of c.175G>T in individuals affected with X-Linked Severe Combined Immunodeficiency and no experimental evidence demonstrating its impact on protein function have been reported. ClinVar contains an entry for this variant (Variation ID: 1677132). Based on the evidence outlined above, the variant was classified as pathogenic.